The following is an entry in ClinVar:

NM_025138.5(PROSER1):c.1669G>A (p.Val557Ile)

Gene: PROSER1 (proline and serine rich 1; minus strand). Cytogenetic location: 13q13.3.
Variant type: single nucleotide variant.
Coding change: c.1669G>A on transcript NM_025138.5 (MANE Select); coding-DNA position 1669, G replaced by A.
Protein change: p.Val557Ile; replaces valine 557 with isoleucine.
Molecular consequence: missense variant.
Genome position (GRCh38, 1-based): chr13:39,013,583, C>T on the plus strand (G>A on the coding strand, the complement: PROSER1 is on the minus strand). VCF-style: chr13-39013583-C-T. GRCh37 (hg19) VCF-style: chr13-39587720-C-T.
Other names: c.1603G>A, p.Val535Ile (NM_170719.4); short protein forms V535I, V557I.
Identifiers: ClinVar variation 3041065 (VCV003041065.2), dbSNP rs137855398, ClinGen allele CA6957028.

ClinVar aggregate classification (germline): Likely benign (0 of 4 stars; one submission).

Conditions:
PROSER1-related disorder. Also called: PROSER1-related condition.

Allele frequency attached by ClinVar (database versions not stated): gnomAD exomes 0.00010; ExAC 0.00032; 1000 Genomes Project 30x 0.00094; 1000 Genomes Project 0.00100; gnomAD 0.00105; ESP Exome Variant Server 0.00123; TOPMed 0.00125.
gnomAD v4.1: 299 of 1,614,092 alleles (0.019%); highest among the groups gnomAD compares: African/African-American, 0.36%; 1 homozygote.

Submission:

PreventionGenetics, part of Exact Sciences
Classification: Likely benign for PROSER1-related condition. Last evaluated: 2023-04-24. Review status: no assertion criteria provided. Collection method: clinical testing. Allele origin: germline.
Comment: This variant is classified as likely benign based on ACMG/AMP sequence variant interpretation guidelines (Richards et al. 2015 PMID: 25741868, with internal and published modifications).